The following is an entry in ClinVar:

ClinVar aggregate classification (germline): Likely benign. Review status: criteria provided, multiple submitters, no conflicts (2 of 4 stars). 2 submissions from 2 submitters: Likely benign (2). Last evaluated 2025-11-25.

Conditions:
Juvenile polyposis/hereditary hemorrhagic telangiectasia syndrome (JPHT). Also called: Juvenile Polyposis Syndrome / Hereditary Hemorrhagic Telangiectasia (JPS/HHT); JP/HHT SYNDROME; JUVENILE POLYPOSIS WITH HEREDITARY HEMORRHAGIC TELANGIECTASIA; POLYPOSIS, GENERALIZED JUVENILE, WITH PULMONARY ARTERIOVENOUS MALFORMATION; TELANGIECTASIA, HEREDITARY HEMORRHAGIC, WITH JUVENILE POLYPOSIS COLI. Identifiers: Orphanet 2929, MedGen C1832942, MONDO:0008278, OMIM 175050.
Familial thoracic aortic aneurysm and aortic dissection (TAAD). Also called: Thoracic aortic aneurysms and dissections. Identifiers: Orphanet 91387, MedGen C4707243, MONDO:0019625.
Hereditary cancer-predisposing syndrome. Also called: Neoplastic Syndromes, Hereditary; Tumor predisposition; Hereditary neoplastic syndrome; Hereditary Cancer Syndrome. Identifiers: Orphanet 140162, MedGen C0027672, MeSH D009386, MONDO:0015356.

Submissions (2):

Ambry Genetics
Classification: Likely benign for Hereditary cancer-predisposing syndrome; Familial thoracic aortic aneurysm and aortic dissection. Last evaluated: 2025-11-25. Review status: criteria provided, single submitter. Criteria: Ambry Variant Classification Scheme 2023. Collection method: clinical testing. Allele origin: germline.

All of Us Research Program, National Institutes of Health
Classification: Likely benign for Juvenile polyposis/hereditary hemorrhagic telangiectasia syndrome. Last evaluated: 2023-10-27. Review status: criteria provided, single submitter. Criteria: ACMG Guidelines, 2015. Collection method: clinical testing. Allele origin: germline. Inheritance: Autosomal dominant inheritance. Observed: 1 variant allele, 1 heterozygote.
Comment: This study involves interpretation of variants in research participants for the purpose of population health screening. Participant phenotype was not available at the time of variant classification. Additional details can be found in publication PMID: 35346344, PMCID: PMC8962531

NM_005359.6(SMAD4):c.216T>C (p.Val72=)

Gene: SMAD4 (SMAD family member 4; plus strand). Cytogenetic location: 18q21.2.
Variant type: single nucleotide variant.
Coding change: c.216T>C on transcript NM_005359.6 (MANE Select); coding-DNA position 216, T replaced by C.
Protein change: p.Val72=; no amino-acid change (valine 72 retained).
Molecular consequence: synonymous variant. On other transcripts: non-coding transcript variant (2).
Genome position (GRCh38, 1-based): chr18:51,047,262, T>C. VCF-style: chr18-51047262-T-C. GRCh37 (hg19) VCF-style: chr18-48573632-T-C.
Other names: c.216T>C, p.Val72= (NM_001407041.1, NM_001407042.1, NM_001407043.1).
Identifiers: ClinVar variation 3074175 (VCV003074175.2), dbSNP rs2144401750, ClinGen allele CA503873497.